The following is an entry in ClinVar:

ClinVar aggregate classification (germline): Uncertain significance (1 of 4 stars; one submission).

Conditions:
Catecholaminergic polymorphic ventricular tachycardia (CVPT). Also called: Catecholamine-induced polymorphic ventricular tachycardia. Identifiers: Orphanet 3286, MedGen C5574922, MONDO:0017990.

Submission:

Labcorp Genetics (formerly Invitae), Labcorp
Classification: Uncertain significance for Catecholaminergic polymorphic ventricular tachycardia. Last evaluated: 2018-10-16. Review status: criteria provided, single submitter. Criteria: Invitae Variant Classification Sherloc (09022015). Collection method: clinical testing. Allele origin: germline.
Comment: This sequence change replaces proline with serine at codon 2159 of the RYR2 protein (p.Pro2159Ser). The proline residue is highly conserved and there is a moderate physicochemical difference between proline and serine. This variant is not present in population databases (ExAC no frequency). This variant has not been reported in the literature in individuals with RYR2-related disease. Algorithms developed to predict the effect of missense changes on protein structure and function are either unavailable or do not agree on the potential impact of this missense change (SIFT: "Deleterious"; PolyPhen-2: "Probably Damaging"; Align-GVGD: "Class C0"). In summary, the available evidence is currently insufficient to determine the role of this variant in disease. Therefore, it has been classified as a Variant of Uncertain Significance.

NM_001035.3(RYR2):c.6475C>T (p.Pro2159Ser)

Gene: RYR2 (ryanodine receptor 2; plus strand). Cytogenetic location: 1q43.
Variant type: single nucleotide variant.
Coding change: c.6475C>T on transcript NM_001035.3 (MANE Select); coding-DNA position 6475, C replaced by T.
Protein change: p.Pro2159Ser; replaces proline 2159 with serine.
Molecular consequence: missense variant.
Genome position (GRCh38, 1-based): chr1:237,631,461, C>T. VCF-style: chr1-237631461-C-T. GRCh37 (hg19) VCF-style: chr1-237794761-C-T.
Other names: c.6475C>T, p.Pro2159Ser (LRG_402t1); short protein forms P2159S.
Identifiers: ClinVar variation 660345 (VCV000660345.2), dbSNP rs1573222038, ClinGen allele CA074956.